The following is an entry in ClinVar:

ClinVar aggregate classification (germline): Uncertain significance (1 of 4 stars; one submission).

Allele frequency attached by ClinVar (database versions not stated): gnomAD 0.00001; TOPMed 0.00002.
gnomAD v4.1: 10 of 1,596,066 alleles (0.00063%); highest among the groups gnomAD compares: Non-Finnish European, 0.00085%; no homozygotes.

Submission:

Laboratory for Molecular Medicine, Mass General Brigham Personalized Medicine
Classification: Uncertain significance. Last evaluated: 2015-05-19. Review status: criteria provided, single submitter. Criteria: LMM Criteria. Collection method: clinical testing. Allele origin: germline. Observed: 1 variant allele.
Comment: The p.Ala304Pro variant in OTOGL has not been previously reported in individuals with hearing loss or in large population studies. Computational prediction tool s and conservation analysis suggest that the p.Ala304Pro variant may not impact the protein, though this information is not predictive enough to rule out pathog enicity. In summary, the clinical significance of the p.Ala304Pro variant is unc ertain.

NM_001378609.3(OTOGL):c.937G>C (p.Ala313Pro)

Gene: OTOGL (otogelin like; plus strand). Cytogenetic location: 12q21.31.
Variant type: single nucleotide variant.
Coding change: c.937G>C on transcript NM_001378609.3 (MANE Select); coding-DNA position 937, G replaced by C.
Protein change: p.Ala313Pro; replaces alanine 313 with proline.
Molecular consequence: missense variant.
Genome position (GRCh38, 1-based): chr12:80,238,970, G>C. VCF-style: chr12-80238970-G-C. GRCh37 (hg19) VCF-style: chr12-80632750-G-C.
Other names: c.937G>C, p.Ala313Pro (NM_001368062.3, NM_001378610.3, NM_173591.7); short protein forms A304P, A313P.
Identifiers: ClinVar variation 229114 (VCV000229114.5), dbSNP rs753400665, ClinGen allele CA10576928.